The following is an entry in ClinVar:

ClinVar aggregate classification (germline): Pathogenic. Review status: criteria provided, multiple submitters, no conflicts (2 of 4 stars). 6 submissions from 6 submitters: Pathogenic (4). 2 of the submissions do not count toward it. Last evaluated 2024-11-07.

Conditions:
Bainbridge-Ropers syndrome. Also called: Severe feeding difficulties-failure to thrive-microcephaly due to ASXL3 deficiency syndrome. Identifiers: Orphanet 352577, MedGen C4750837, MONDO:0014205, OMIM 615485.
ASXL3-related disorder. Also called: ASXL3-related condition. Identifiers: MedGen CN381524.

Submissions (6):

3billion
Classification: Pathogenic for Bainbridge-Ropers syndrome. Last evaluated: 2024-11-07. Review status: criteria provided, single submitter. Criteria: ACMG Guidelines, 2015. Collection method: clinical testing. Allele origin: germline. Affected: yes.
Comment: The variant is not observed in the gnomAD v4.1.0 dataset. Predicted Consequence/Location: Frameshift: predicted to result in a loss or disruption of normal protein function through protein truncation. The predicted truncated protein may be shortened by more than 10% and a dominant negative effect has been reported near truncated region. The variant has been previously reported as de novo in a similarly affected individual (PMID: 28333917). The variant has been reported at least twice as pathogenic with clinical assertions and evidence for the classification (ClinVar ID: VCV000524030 /PMID: 28333917). Therefore, this variant is classified as Pathogenic according to the recommendation of ACMG/AMP guideline.

Dubai Health Genomic Medicine Center, Dubai Health
Classification: Pathogenic for Bainbridge-Ropers syndrome. Last evaluated: 2024-10-04. Review status: criteria provided, single submitter. Criteria: ACMG Guidelines, 2015. Collection method: research. Allele origin: germline. Affected: yes.
Comment: PVS1,PS2,PM2

GeneDx
Classification: Pathogenic. Last evaluated: 2024-09-05. Review status: criteria provided, single submitter. Criteria: GeneDx Variant Classification Process June 2021. Collection method: clinical testing. Allele origin: germline. Affected: yes.
Comment: Frameshift variant predicted to result in protein truncation, as the last 842 amino acids are replaced with 19 different amino acids, and other loss-of-function variants have been reported downstream in the Human Gene Mutation Database (HGMD); Not observed at significant frequency in large population cohorts (gnomAD); This variant is associated with the following publications: (PMID: 33057194, 35982159, 24077912, 28333917, 34436830)

CeGaT Center for Human Genetics Tuebingen
Classification: Pathogenic. Last evaluated: 2020-02-01. Review status: criteria provided, single submitter. Criteria: CeGaT Center For Human Genetics Tuebingen Variant Classification Criteria Version 2. Collection method: clinical testing. Allele origin: germline. Affected: yes. Observed: 3 variant alleles.

PreventionGenetics, part of Exact Sciences
Classification: Pathogenic for ASXL3-related condition. Last evaluated: 2024-09-18. Review status: no assertion criteria provided. Collection method: clinical testing. Allele origin: germline. Not counted in ClinVar's aggregate classification.
Comment: The ASXL3 c.4219_4220delCT variant is predicted to result in a frameshift and premature protein termination (p.Leu1407Glyfs*20). This variant has been reported in the de novo state in multiple individuals with ASXL3-related syndrome (Schirwani et al 2021. PubMed ID: 34436830; Vissers et al. 2017. PubMed ID: 28333917). This variant has not been reported in a large population database, indicating this variant is rare. Nonsense variants in ASXL3 are expected to be pathogenic. This variant is interpreted as pathogenic.

Solve-RD Consortium
Classification: Likely pathogenic for Bainbridge-Ropers syndrome. Last evaluated: 2022-06-01. Review status: no assertion criteria provided. Collection method: provider interpretation. Allele origin: inherited. Affected: yes. Not counted in ClinVar's aggregate classification.
Comment: Variant confirmed as disease-causing by referring clinical team

Variant identified during reanalysis of unsolved cases by the Solve-RD project. The Solve-RD project has received funding from the European Union’s Horizon 2020 research and innovation programme under grant agreement No 779257.

Literature cited by the submitters: PubMed 28333917 (cited by 3billion); PubMed 39825153 (cited by Solve-RD Consortium).

NM_030632.3(ASXL3):c.4219_4220del (p.Leu1407fs)

Gene: ASXL3 (ASXL transcriptional regulator 3; plus strand). Cytogenetic location: 18q12.1.
Variant type: Microsatellite.
Coding change: c.4219_4220del on transcript NM_030632.3 (MANE Select); coding-DNA positions 4219 to 4220, 2 bases deleted (CT; older notation c.4219_4220delCT).
Protein change: p.Leu1407fs; shifts the reading frame from leucine 1407.
Molecular consequence: frameshift variant.
Genome position (GRCh38, 1-based): chr18:33,744,067-33,744,068, CT deleted; deleting any 2 consecutive bases within chr18:33,744,063-33,744,068 gives the same sequence; the c. name uses the placement nearest the transcript's 3' end. VCF-style (leftmost placement, unchanged base first): chr18-33744062-ACT-A. GRCh37 (hg19) VCF-style: chr18-31324026-ACT-A.
Other names: c.4219_4220delCT (NM_030632.2, NM_030632.3); c.4219_4220del (NM_030632.1); short protein forms L1407fs.
Identifiers: ClinVar variation 524030 (VCV000524030.47), dbSNP rs1555744178, ClinGen allele CA658799034.
Genomic context (GRCh38, chr18:33,744,062, plus strand): 5'-TATCCATGGGTACCACTGTGAGAGCAGCCCTCAGCTGCAGTGATTCTGTAGCGGTCACAG[ACT>A]CTCTGGTTGCACACCCGACCGTCGCAATGTTTACTGGAAACATGCTGACAATAAACTCTT-3'